The following is an entry in ClinVar:

NM_000528.4(MAN2B1):c.2267+216A>G

Gene: MAN2B1 (mannosidase alpha class 2B member 1; minus strand). Cytogenetic location: 19p13.13.
Variant type: single nucleotide variant.
Coding change: c.2267+216A>G on transcript NM_000528.4 (MANE Select); 216 bases into the intron after coding-DNA position 2267, A replaced by G.
Molecular consequence: intron variant.
Genome position (GRCh38, 1-based): chr19:12,649,697, T>C on the plus strand (A>G on the coding strand, the complement: MAN2B1 is on the minus strand). VCF-style: chr19-12649697-T-C. GRCh37 (hg19) VCF-style: chr19-12760511-T-C.
Other names: c.2264+216A>G (NM_001173498.2).
Identifiers: ClinVar variation 684380 (VCV000684380.1), dbSNP rs8102193, ClinGen allele CA14635918.

ClinVar aggregate classification (germline): Benign (1 of 4 stars; one submission).

Allele frequency attached by ClinVar (database versions not stated): 1000 Genomes Project 0.44788; 1000 Genomes Project 30x 0.45128; TOPMed 0.57885; gnomAD 0.58800 and 0.59793.
gnomAD v4.1: 89,006 of 151,148 alleles (59%); highest among the groups gnomAD compares: Non-Finnish European, 68%; 27,369 homozygotes.

Submission:

GeneDx
Classification: Benign. Last evaluated: 2018-06-19. Review status: criteria provided, single submitter. Criteria: GeneDx Variant Classification (06012015). Collection method: clinical testing. Allele origin: germline. Affected: yes.
Comment: This variant is considered likely benign or benign based on one or more of the following criteria: it is a conservative change, it occurs at a poorly conserved position in the protein, it is predicted to be benign by multiple in silico algorithms, and/or has population frequency not consistent with disease.